The following is an entry in ClinVar:

ClinVar aggregate classification (germline): Uncertain significance (1 of 4 stars; one submission).

Allele frequency attached by ClinVar (database versions not stated): TOPMed below 0.00001.

Submission:

Labcorp Genetics (formerly Invitae), Labcorp
Classification: Uncertain significance. Last evaluated: 2021-03-11. Review status: criteria provided, single submitter. Criteria: Invitae Variant Classification Sherloc (09022015). Collection method: clinical testing. Allele origin: germline.
Comment: This sequence change replaces lysine with asparagine at codon 501 of the IFT81 protein (p.Lys501Asn). The lysine residue is highly conserved and there is a moderate physicochemical difference between lysine and asparagine. This variant is not present in population databases (ExAC no frequency). This variant has not been reported in the literature in individuals with IFT81-related conditions. Algorithms developed to predict the effect of missense changes on protein structure and function are either unavailable or do not agree on the potential impact of this missense change (SIFT: "Deleterious"; PolyPhen-2: "Probably Damaging"; Align-GVGD: "Class C0"). In summary, the available evidence is currently insufficient to determine the role of this variant in disease. Therefore, it has been classified as a Variant of Uncertain Significance.

NM_014055.4(IFT81):c.1503G>T (p.Lys501Asn)

Gene: IFT81 (intraflagellar transport 81; plus strand). Cytogenetic location: 12q24.11.
Variant type: single nucleotide variant.
Coding change: c.1503G>T on transcript NM_014055.4 (MANE Select); coding-DNA position 1503, G replaced by T.
Protein change: p.Lys501Asn; replaces lysine 501 with asparagine.
Molecular consequence: missense variant. On other transcripts: non-coding transcript variant (4).
Genome position (GRCh38, 1-based): chr12:110,192,652, G>T. VCF-style: chr12-110192652-G-T. GRCh37 (hg19) VCF-style: chr12-110630457-G-T.
Other names: c.1503G>T, p.Lys501Asn (NM_001143779.2); c.573G>T, p.Lys191Asn (NM_001347947.2, NM_001347948.2); short protein forms K191N, K501N.
Identifiers: ClinVar variation 1435594 (VCV001435594.8), dbSNP rs1897848063, ClinGen allele CA386906241.
Genomic context (GRCh38, chr12:110,192,652, plus strand): 5'-GTTATATTTTTTGTTCAAATAACAGGTGAAAAAACTGTATTCATTGGTATCTGAAAAGAA[G>T]TCAGCTCTTGCCTCAGTTATAAAAGAGCTACGACAGTTGCGTCAAAAATATCAAGTAAGT-3'
Protein context (NP_054774.2, residues 491-511): KKLYSLVSEK[Lys501Asn]SALASVIKEL